The following is an entry in ClinVar:

ClinVar aggregate classification (germline): Uncertain significance (1 of 4 stars; one submission).

gnomAD v4.1: 1 of 1,612,360 alleles (0.000062%); highest among the groups gnomAD compares: African/African-American, 0.0013%; no homozygotes.

Submission:

CeGaT Center for Human Genetics Tuebingen
Classification: Uncertain significance. Last evaluated: 2023-10-01. Review status: criteria provided, single submitter. Criteria: CeGaT Center For Human Genetics Tuebingen Variant Classification Criteria Version 2. Collection method: clinical testing. Allele origin: germline. Affected: yes. Observed: 1 variant allele.
Comment: MTAP: PM2

NM_002451.4(MTAP):c.154A>G (p.Asn52Asp)

Gene: MTAP (methylthioadenosine phosphorylase; plus strand). Cytogenetic location: 9p21.3.
Variant type: single nucleotide variant.
Coding change: c.154A>G on transcript NM_002451.4 (MANE Select); coding-DNA position 154, A replaced by G.
Protein change: p.Asn52Asp; replaces asparagine 52 with aspartic acid.
Molecular consequence: missense variant. On other transcripts: non-coding transcript variant (1).
Genome position (GRCh38, 1-based): chr9:21,816,747, A>G. VCF-style: chr9-21816747-A-G. GRCh37 (hg19) VCF-style: chr9-21816746-A-G.
Other names: c.205A>G, p.Asn69Asp (NM_001396040.1); c.154A>G, p.Asn52Asp (NM_001396041.1, NM_001396042.1, NM_001396043.1 and 2 more transcripts); short protein forms N52D, N69D.
Identifiers: ClinVar variation 2659127 (VCV002659127.24), dbSNP rs2488983484, ClinGen allele CA373084935.